The following is an entry in ClinVar:

ClinVar aggregate classification (germline): Likely benign. Review status: criteria provided, multiple submitters, no conflicts (2 of 4 stars). 3 submissions from 3 submitters: Likely benign (2). 1 of the submissions does not count toward it. Last evaluated 2025-12-01.

Conditions:
Ulnar-mammary syndrome (UMS). Also called: SCHINZEL SYNDROME; Ulnar-mammary syndrome of Pallister; PALLISTER ULNAR-MAMMARY SYNDROME. Identifiers: Orphanet 3138, MedGen C1866994, MONDO:0008411, OMIM 181450.
TBX3-related disorder. Also called: TBX3-related condition.

Allele frequency attached by ClinVar (database versions not stated): gnomAD exomes 0.00001; TOPMed 0.00003.

Submissions (3):

CeGaT Center for Human Genetics Tuebingen
Classification: Likely benign. Last evaluated: 2025-12-01. Review status: criteria provided, single submitter. Criteria: CeGaT Center For Human Genetics Tuebingen Variant Classification Criteria Version 2. Collection method: clinical testing. Allele origin: germline. Affected: yes. Observed: 1 variant allele.
Comment: TBX3: BP4, BP7

Labcorp Genetics (formerly Invitae), Labcorp
Classification: Likely benign for Ulnar-mammary syndrome. Last evaluated: 2025-01-27. Review status: criteria provided, single submitter. Criteria: Invitae Variant Classification Sherloc (09022015). Collection method: clinical testing. Allele origin: germline.

PreventionGenetics, part of Exact Sciences
Classification: Likely benign for TBX3-related condition. Last evaluated: 2021-12-02. Review status: no assertion criteria provided. Collection method: clinical testing. Allele origin: germline. Not counted in ClinVar's aggregate classification.
Comment: This variant is classified as likely benign based on ACMG/AMP sequence variant interpretation guidelines (Richards et al. 2015 PMID: 25741868, with internal and published modifications).

NM_005996.4(TBX3):c.1377C>T (p.Phe459=)

Gene: TBX3 (T-box transcription factor 3; minus strand). Cytogenetic location: 12q24.21.
Variant type: single nucleotide variant.
Coding change: c.1377C>T on transcript NM_005996.4 (MANE Select); coding-DNA position 1377, C replaced by T.
Protein change: p.Phe459=; no amino-acid change (phenylalanine 459 retained).
Molecular consequence: synonymous variant.
Genome position (GRCh38, 1-based): chr12:114,674,498, G>A on the plus strand (C>T on the coding strand, the complement: TBX3 is on the minus strand). VCF-style: chr12-114674498-G-A. GRCh37 (hg19) VCF-style: chr12-115112303-G-A.
Other names: c.1437C>T (NM_016569.3); c.1437C>T, p.Phe479= (NM_016569.4).
Identifiers: ClinVar variation 2196754 (VCV002196754.11), dbSNP rs544127946, ClinGen allele CA6809923.